The following is an entry in ClinVar:

NM_152327.5(AK7):c.2146T>C (p.Phe716Leu)

Gene: AK7 (adenylate kinase 7; plus strand). Cytogenetic location: 14q32.2.
Variant type: single nucleotide variant.
Coding change: c.2146T>C on transcript NM_152327.5 (MANE Select); coding-DNA position 2146, T replaced by C.
Protein change: p.Phe716Leu; replaces phenylalanine 716 with leucine.
Molecular consequence: missense variant. On other transcripts: 3 prime UTR variant (1).
Genome position (GRCh38, 1-based): chr14:96,488,317, T>C. VCF-style: chr14-96488317-T-C. GRCh37 (hg19) VCF-style: chr14-96954654-T-C.
Other names: c.*300T>C (NM_001350888.2); c.2077T>C, p.Phe693Leu (NM_001350890.2); c.2068T>C, p.Phe690Leu (NM_001350891.2); c.1948T>C, p.Phe650Leu (NM_001350892.2); short protein forms F690L, F693L, F716L, F650L.
Identifiers: ClinVar variation 2713249 (VCV002713249.2), dbSNP rs778704718, ClinGen allele CA7338087.

ClinVar aggregate classification (germline): Uncertain significance (1 of 4 stars; one submission).

Allele frequency attached by ClinVar (database versions not stated): TOPMed 0.00003; gnomAD exomes 0.00008; ExAC 0.00022.
gnomAD v4.1: 57 of 1,612,148 alleles (0.0035%); highest among the groups gnomAD compares: Admixed American, 0.075%; no homozygotes.

Submission:

Labcorp Genetics (formerly Invitae), Labcorp
Classification: Uncertain significance. Last evaluated: 2023-10-22. Review status: criteria provided, single submitter. Criteria: Invitae Variant Classification Sherloc (09022015). Collection method: clinical testing. Allele origin: germline.
Comment: This sequence change replaces phenylalanine, which is neutral and non-polar, with leucine, which is neutral and non-polar, at codon 716 of the AK7 protein (p.Phe716Leu). This variant is present in population databases (rs778704718, gnomAD 0.1%), and has an allele count higher than expected for a pathogenic variant. This variant has not been reported in the literature in individuals affected with AK7-related conditions. Advanced modeling of protein sequence and biophysical properties (such as structural, functional, and spatial information, amino acid conservation, physicochemical variation, residue mobility, and thermodynamic stability) performed at Invitae indicates that this missense variant is not expected to disrupt AK7 protein function. In summary, the available evidence is currently insufficient to determine the role of this variant in disease. Therefore, it has been classified as a Variant of Uncertain Significance.